The following is an entry in ClinVar:

NM_001048174.2(MUTYH):c.700C>T (p.Leu234Phe)

Gene: MUTYH (mutY DNA glycosylase; minus strand). Cytogenetic location: 1p34.1.
Variant type: single nucleotide variant.
Coding change: c.700C>T on transcript NM_001048174.2 (MANE Select); coding-DNA position 700, C replaced by T.
Protein change: p.Leu234Phe; replaces leucine 234 with phenylalanine.
Molecular consequence: missense variant. On other transcripts: non-coding transcript variant (7).
Genome position (GRCh38, 1-based): chr1:45,332,395, G>A on the plus strand (C>T on the coding strand, the complement: MUTYH is on the minus strand). VCF-style: chr1-45332395-G-A. GRCh37 (hg19) VCF-style: chr1-45798067-G-A.
Other names: c.703C>T, p.Leu235Phe (NM_001407086.1, NM_001048172.2, NM_001407071.1 and 1 more transcripts); c.721C>T, p.Leu241Phe (NM_001407087.1); c.700C>T, p.Leu234Phe (NM_001407088.1, NM_001407089.1, NM_001048171.2 and 6 more transcripts); c.424C>T, p.Leu142Phe (NM_001407091.1, NM_001293192.2, NM_001293196.2); c.775C>T, p.Leu259Phe (NM_012222.3); c.784C>T, p.Leu262Phe (NM_001128425.2); c.745C>T, p.Leu249Phe (NM_001293190.2); c.733C>T, p.Leu245Phe (NM_001293191.2, NM_001407069.1, NM_001407077.1); and 5 more; short protein forms L119F, L142F, L206F, L220F, L221F, L234F, L235F, L241F.
Identifiers: ClinVar variation 3233052 (VCV003233052.4), dbSNP rs2149142847, ClinGen allele CA340134753.

ClinVar aggregate classification (germline): Uncertain significance. Review status: criteria provided, multiple submitters, no conflicts (2 of 4 stars). 3 submissions from 3 submitters: Uncertain significance (3). Last evaluated 2024-05-23.

Conditions:
Hereditary cancer-predisposing syndrome. Also called: Neoplastic Syndromes, Hereditary; Tumor predisposition; Hereditary Cancer Syndrome; Hereditary neoplastic syndrome. Identifiers: Orphanet 140162, MedGen C0027672, MeSH D009386, MONDO:0015356.
Familial adenomatous polyposis 2. Also called: Adenomas, multiple colorectal; COLORECTAL ADENOMATOUS POLYPOSIS, AUTOSOMAL RECESSIVE; ADENOMAS, MULTIPLE COLORECTAL, AUTOSOMAL RECESSIVE; FAP type 2; MUTYH Polyposis; MYH-associated polyposis. Identifiers: Orphanet 220460, Orphanet 247798, MedGen C3272841, MONDO:0012041, OMIM 608456.

Submissions (3):

Labcorp Genetics (formerly Invitae), Labcorp
Classification: Uncertain significance for Familial adenomatous polyposis 2. Last evaluated: 2024-05-23. Review status: criteria provided, single submitter. Criteria: Invitae Variant Classification Sherloc (09022015). Collection method: clinical testing. Allele origin: germline.
Comment: This sequence change replaces leucine, which is neutral and non-polar, with phenylalanine, which is neutral and non-polar, at codon 262 of the MUTYH protein (p.Leu262Phe). This variant is not present in population databases (gnomAD no frequency). This missense change has been observed in individual(s) with clinical features of MUTYH-associated polyposis (Invitae). In at least one individual the data is consistent with being in trans (on the opposite chromosome) from a pathogenic variant. An algorithm developed to predict the effect of missense changes on protein structure and function (PolyPhen-2) suggests that this variant is likely to be tolerated. In summary, the available evidence is currently insufficient to determine the role of this variant in disease. Therefore, it has been classified as a Variant of Uncertain Significance.

Ambry Genetics
Classification: Uncertain significance for Hereditary cancer-predisposing syndrome. Last evaluated: 2023-11-22. Review status: criteria provided, single submitter. Criteria: Ambry Variant Classification Scheme 2023. Collection method: clinical testing. Allele origin: germline.
Comment: The p.L262F variant (also known as c.784C>T), located in coding exon 9 of the MUTYH gene, results from a C to T substitution at nucleotide position 784. The leucine at codon 262 is replaced by phenylalanine, an amino acid with highly similar properties. This amino acid position is highly conserved in available vertebrate species. In addition, the in silico prediction for this alteration is inconclusive. Since supporting evidence is limited at this time, the clinical significance of this alteration remains unclear.

Baylor Genetics
Classification: Uncertain significance for Familial adenomatous polyposis 2. Last evaluated: 2023-11-08. Review status: criteria provided, single submitter. Criteria: ACMG Guidelines, 2015. Collection method: clinical testing. Allele origin: unknown.